The following is an entry in ClinVar:

ClinVar aggregate classification (germline): Uncertain significance (1 of 4 stars; one submission).

Conditions:
Tuberous sclerosis 2 (TSC2). Identifiers: Orphanet 805, MedGen C1860707, MONDO:0013199, OMIM 613254.

Submission:

Labcorp Genetics (formerly Invitae), Labcorp
Classification: Uncertain significance for Tuberous sclerosis 2. Last evaluated: 2020-12-23. Review status: criteria provided, single submitter. Criteria: Invitae Variant Classification Sherloc (09022015). Collection method: clinical testing. Allele origin: germline.
Comment: This variant, c.2763_2765del, results in the deletion of 1 amino acid(s) of the TSC2 protein (p.Leu922del), but otherwise preserves the integrity of the reading frame. This variant is not present in population databases (ExAC no frequency). This variant has not been reported in the literature in individuals with TSC2-related conditions. Experimental studies and prediction algorithms are not available or were not evaluated, and the functional significance of this variant is currently unknown. In summary, the available evidence is currently insufficient to determine the role of this variant in disease. Therefore, it has been classified as a Variant of Uncertain Significance.

NM_000548.5(TSC2):c.2763_2765del (p.Leu922del)

Gene: TSC2 (TSC complex subunit 2; plus strand). Cytogenetic location: 16p13.3.
Variant type: Deletion.
Coding change: c.2763_2765del on transcript NM_000548.5 (MANE Select); coding-DNA positions 2763 to 2765, 3 bases deleted (CTT; older notation c.2763_2765delCTT).
Protein change: p.Leu922del; deletes leucine 922.
Molecular consequence: inframe deletion.
Genome position (GRCh38, 1-based): chr16:2,076,511-2,076,513, CTT deleted; deleting any 3 consecutive bases within chr16:2,076,510-2,076,513 gives the same sequence; the c. name uses the placement nearest the transcript's 3' end. VCF-style (leftmost placement, unchanged base first): chr16-2076509-CTCT-C. GRCh37 (hg19) VCF-style: chr16-2126510-CTCT-C.
Other names: c.2763_2765del, p.Leu922del (NM_001077183.3, NM_001114382.3, NM_001363528.2 and 3 more transcripts); c.2652_2654del, p.Leu885del (NM_001318827.2); c.2616_2618del, p.Leu873del (NM_001318829.2); c.2163_2165del, p.Leu722del (NM_001318831.2); c.2796_2798del, p.Leu933del (NM_001318832.2); short protein forms L722del, L922del, L933del, L873del, L885del.
Identifiers: ClinVar variation 1467557 (VCV001467557.8), dbSNP rs2151394339, ClinGen allele CA2573151595.
Genomic context (GRCh38, chr16:2,076,509, plus strand): 5'-CCATTGCCACCCCTCACTGTCTGGGTGTGCTCACTCTGCCAGGGCCTGCGGTCCAATGTC[CTCT>C]TGTCTTTTGATGACACCCCCGAGAAGGACAGCTTCAGGGCCCGGAGTACTAGTCTCAACG-3'